The following is an entry in ClinVar:

ClinVar aggregate classification (germline): Conflicting classifications of pathogenicity. Review status: criteria provided, conflicting classifications (1 of 4 stars). 2 submissions from 2 submitters: Likely pathogenic (1); Uncertain significance (1). Last evaluated 2024-12-26.

Conditions:
Alport syndrome. Also called: Hemorrhagic familial nephritis; Hemorrhagic hereditary nephritis; Congenital hereditary hematuria. Identifiers: Orphanet 63, MedGen C1567741, MONDO:0018965.
Autosomal recessive Alport syndrome (ATS2). Also called: Alport syndrome type 2; ALPORT SYNDROME 2, AUTOSOMAL RECESSIVE; COL4A4 Alport Syndrome and Thin Basement Membrane Nephropathy; COL4A3-Related Nephropathy. Identifiers: Orphanet 63, Orphanet 88919, MedGen C4746745, MONDO:0008762, OMIM 203780.

gnomAD v4.1: 4 of 1,612,876 alleles (0.00025%); highest among the groups gnomAD compares: East Asian, 0.0067%; no homozygotes.

Submissions (2):

3billion
Classification: Uncertain significance for Autosomal recessive Alport syndrome. Last evaluated: 2024-12-26. Review status: criteria provided, single submitter. Criteria: ACMG Guidelines, 2015. Collection method: clinical testing. Allele origin: germline. Affected: yes.
Comment: The variant is observed at an extremely low frequency in the gnomAD v4.1.0 dataset (total allele frequency: <0.001%). Predicted Consequence/Location: Missense variant In silico tool predictions suggest damaging effect of the variant on gene or gene product [REVEL: 0.96 (>=0.6, sensitivity 0.68 and specificity 0.92); 3Cnet: 0.51 (>=0.6, sensitivity 0.72 and precision 0.9)]. The same nucleotide change resulting in the same amino acid change has been previously reported to be associated with COL4A4-related disorder (PMID: 28704582). However, the evidence of pathogenicity is insufficient at this time. Therefore, this variant is classified as VUS according to the recommendation of ACMG/AMP guideline.

Natera, Inc.
Classification: Likely pathogenic for Alport syndrome. Last evaluated: 2024-05-10. Review status: criteria provided, single submitter. Criteria: Natera Variant Classification Schema (03/2026). Collection method: clinical testing. Allele origin: germline.
Comment: The c.4847T>G variant in COL4A4 is a missense variant predicted to cause substitution of leucine to arginine at amino acid 1616. This variant is rare in the general population with a frequency below the threshold expected for the associated phenotype(s). This variant has been observed in affected individual(s) with monoallelic occurrence (heterozygous/hemizygous) (PMID: 28704582, 33838161, 36013122). This variant has been observed to segregate in affected family members (PMID: 28704582, 33838161). Computational prediction algorithms indicate this variant is likely to affect gene or protein function. Given the available evidence, this variant is classified as Likely Pathogenic.

Literature cited by the submitters: PubMed 28704582 (cited by 3billion and Natera, Inc.); PubMed 33838161 (cited by Natera, Inc.); PubMed 36013122 (cited by Natera, Inc.).

NM_000092.5(COL4A4):c.4847T>G (p.Leu1616Arg)

Gene: COL4A4 (collagen type IV alpha 4 chain; minus strand). Cytogenetic location: 2q36.3.
Variant type: single nucleotide variant.
Coding change: c.4847T>G on transcript NM_000092.5 (MANE Select); coding-DNA position 4847, T replaced by G.
Protein change: p.Leu1616Arg; replaces leucine 1616 with arginine.
Molecular consequence: missense variant.
Genome position (GRCh38, 1-based): chr2:227,007,551, A>C on the plus strand (T>G on the coding strand, the complement: COL4A4 is on the minus strand). VCF-style: chr2-227007551-A-C. GRCh37 (hg19) VCF-style: chr2-227872267-A-C.
Other names: short protein forms L1616R.
Identifiers: ClinVar variation 4293034 (VCV004293034.2).